The following is an entry in ClinVar:

ClinVar aggregate classification (germline): Uncertain significance (1 of 4 stars; one submission).

Submission:

GeneDx
Classification: Uncertain significance. Last evaluated: 2017-06-15. Review status: criteria provided, single submitter. Criteria: GeneDx Variant Classification (06012015). Collection method: clinical testing. Allele origin: germline. Affected: yes.
Comment: The c.968_970delGAG variant in the PPOX gene has not been reported previously as a pathogenic variant, nor as a benign variant, to our knowledge. The c.968_970delGAG variant causes an in-frame deletion of one amino acid, Glycine 323, denoted p.Gly323del. This amino acid deletion occurs at a position that is not conserved, but in silico analysis predicts this variant is probably damaging to the protein structure/function. The c.968_970delGAG variant is not observed in large population cohorts (Lek et al., 2016; 1000 Genomes Consortium et al., 2015; Exome Variant Server). We interpret c.968_970delGAG as a variant of uncertain significance.

NM_001122764.3(PPOX):c.968_970del (p.Gly323del)

Gene: PPOX (protoporphyrinogen oxidase; plus strand). Cytogenetic location: 1q23.3.
Variant type: Deletion.
Coding change: c.968_970del on transcript NM_001122764.3 (MANE Select); coding-DNA positions 968 to 970, 3 bases deleted (GAG; older notation c.968_970delGAG).
Protein change: p.Gly323del; deletes glycine 323.
Molecular consequence: inframe deletion.
Genome position (GRCh38, 1-based): chr1:161,170,005-161,170,007, GAG deleted; deleting any 3 consecutive bases within chr1:161,170,003-161,170,007 gives the same sequence; the c. name uses the placement nearest the transcript's 3' end. VCF-style (leftmost placement, unchanged base first): chr1-161170002-AAGG-A. GRCh37 (hg19) VCF-style: chr1-161139792-AAGG-A.
Other names: c.968_970del, p.Gly323del (NM_000309.5, NM_001365398.1, NM_001365399.1); c.869_871del, p.Gly290del (NM_001350128.2); c.560_562del, p.Gly187del (NM_001350129.2, NM_001365400.1); c.482_484del, p.Gly161del (NM_001350130.2, NM_001350131.2, NM_001365401.1); short protein forms G323del, G290del, G161del, G187del.
Identifiers: ClinVar variation 432834 (VCV000432834.2), dbSNP rs1352842271, ClinGen allele CA526869890.
Genomic context (GRCh38, chr1:161,170,002, plus strand): 5'-TGGCTCGTGCCCTGAGTGCCATCACTGCAGTGTCTGTAGCTGTGGTGAATCTGCAGTACC[AAGG>A]AGCCCATCTGCCTGTCCAGGTATGATAAAGGGACGGAGAGGCTGGGCATGGTGGCTCACA-3'